The following is an entry in ClinVar:

NM_000542.5(SFTPB):c.376T>G (p.Tyr126Asp)

Gene: SFTPB (surfactant protein B; minus strand). Cytogenetic location: 2p11.2.
Variant type: single nucleotide variant.
Coding change: c.376T>G on transcript NM_000542.5 (MANE Select); coding-DNA position 376, T replaced by G.
Protein change: p.Tyr126Asp; replaces tyrosine 126 with aspartic acid.
Molecular consequence: missense variant.
Genome position (GRCh38, 1-based): chr2:85,666,634, A>C on the plus strand (T>G on the coding strand, the complement: SFTPB is on the minus strand). VCF-style: chr2-85666634-A-C. GRCh37 (hg19) VCF-style: chr2-85893757-A-C.
Other names: c.376T>G, p.Tyr126Asp (NM_001367281.2, NM_198843.4); short protein forms Y126D.
Identifiers: ClinVar variation 896675 (VCV000896675.5), dbSNP rs184305471, ClinGen allele CA1744082.

ClinVar aggregate classification (germline): Uncertain significance. Review status: criteria provided, multiple submitters, no conflicts (2 of 4 stars). 2 submissions from 2 submitters: Uncertain significance (2). Last evaluated 2024-03-17.

Conditions:
Hereditary pulmonary alveolar proteinosis. Also called: Pulmonary surfactant metabolism dysfunction. Identifiers: Orphanet 264675, MedGen C3711368, MONDO:0012580.
Surfactant metabolism dysfunction, pulmonary, 1. Also called: INTERSTITIAL LUNG DISEASE DUE TO SURFACTANT PROTEIN B DEFICIENCY; INTERSTITIAL LUNG DISEASE, NONSPECIFIC, DUE TO SURFACTANT PROTEIN B DEFICIENCY; PULMONARY ALVEOLAR PROTEINOSIS, CONGENITAL, 1; Pulmonary surfactant protein B, deficiency of; Neonatal acute respiratory distress due to SP-B deficiency. Identifiers: Orphanet 217563, MedGen C1968602, MONDO:0009929, OMIM 265120.

Allele frequency attached by ClinVar (database versions not stated): gnomAD exomes 0.00004 and 0.00022; ExAC 0.00021; TOPMed 0.00027; 1000 Genomes Project 30x 0.00031; 1000 Genomes Project 0.00040.
gnomAD v4.1: 80 of 1,613,620 alleles (0.005%); highest among the groups gnomAD compares: East Asian, 0.16%; no homozygotes.

Submissions (2):

Ambry Genetics
Classification: Uncertain significance for Hereditary pulmonary alveolar proteinosis. Last evaluated: 2024-03-17. Review status: criteria provided, single submitter. Criteria: Ambry Variant Classification Scheme 2023. Collection method: clinical testing. Allele origin: germline.
Comment: The p.Y138D variant (also known as c.412T>G), located in coding exon 4 of the SFTPB gene, results from a T to G substitution at nucleotide position 412. The tyrosine at codon 138 is replaced by aspartic acid, an amino acid with highly dissimilar properties. This amino acid position is conserved. In addition, this alteration is predicted to be tolerated by in silico analysis. Based on the available evidence, the clinical significance of this alteration remains unclear.

Illumina Laboratory Services, Illumina
Classification: Uncertain significance for Surfactant metabolism dysfunction, pulmonary, 1. Last evaluated: 2017-04-27. Review status: criteria provided, single submitter. Criteria: ICSL Variant Classification Criteria 13 December 2019. Collection method: clinical testing. Allele origin: germline.